The following is an entry in ClinVar:

NM_000111.3(SLC26A3):c.1177G>T (p.Gly393Trp)

Gene: SLC26A3 (solute carrier family 26 member 3; minus strand). Cytogenetic location: 7q22.3.
Variant type: single nucleotide variant.
Coding change: c.1177G>T on transcript NM_000111.3 (MANE Select); coding-DNA position 1177, G replaced by T.
Protein change: p.Gly393Trp; replaces glycine 393 with tryptophan.
Molecular consequence: missense variant.
Genome position (GRCh38, 1-based): chr7:107,783,036, C>A on the plus strand (G>T on the coding strand, the complement: SLC26A3 is on the minus strand). VCF-style: chr7-107783036-C-A. GRCh37 (hg19) VCF-style: chr7-107423481-C-A.
Other names: short protein forms G393W.
Identifiers: ClinVar variation 1470278 (VCV001470278.7), dbSNP rs775664534, ClinGen allele CA4433921.

ClinVar aggregate classification (germline): Likely pathogenic. Review status: criteria provided, multiple submitters, no conflicts (2 of 4 stars). 2 submissions from 2 submitters: Likely pathogenic (2). Last evaluated 2024-03-27.

Conditions:
Congenital secretory diarrhea, chloride type (DIAR1). Also called: CHLORIDE DIARRHEA, CONGENITAL, FINNISH TYPE; DIARRHEA 1, SECRETORY CHLORIDE, CONGENITAL; CHLORIDORRHEA, CONGENITAL. Identifiers: Orphanet 53689, MedGen C0267662, MONDO:0008964, OMIM 214700.

Allele frequency attached by ClinVar (database versions not stated): gnomAD exomes 0.00001 and 0.00002; TOPMed 0.00001; ExAC 0.00002.
gnomAD v4.1: 6 of 1,614,232 alleles (0.00037%); highest among the groups gnomAD compares: Admixed American, 0.0083%; no homozygotes.

Submissions (2):

Fulgent Genetics
Classification: Likely pathogenic for Congenital secretory diarrhea, chloride type. Last evaluated: 2024-03-27. Review status: criteria provided, single submitter. Criteria: ACMG Guidelines, 2015. Collection method: clinical testing. Allele origin: germline.

Labcorp Genetics (formerly Invitae), Labcorp
Classification: Likely pathogenic. Last evaluated: 2024-03-13. Review status: criteria provided, single submitter. Criteria: Invitae Variant Classification Sherloc (09022015). Collection method: clinical testing. Allele origin: germline.
Comment: This sequence change replaces glycine, which is neutral and non-polar, with tryptophan, which is neutral and slightly polar, at codon 393 of the SLC26A3 protein (p.Gly393Trp). This variant is present in population databases (rs775664534, gnomAD 0.01%). This missense change has been observed in individual(s) with clinical features of congenital secretory chloride diarrhea (PMID: 26157392; Invitae). ClinVar contains an entry for this variant (Variation ID: 1470278). Advanced modeling of protein sequence and biophysical properties (such as structural, functional, and spatial information, amino acid conservation, physicochemical variation, residue mobility, and thermodynamic stability) performed at Invitae indicates that this missense variant is expected to disrupt SLC26A3 protein function with a positive predictive value of 80%. Experimental studies have shown that this missense change affects SLC26A3 function (PMID: 26157392). In summary, the currently available evidence indicates that the variant is pathogenic, but additional data are needed to prove that conclusively. Therefore, this variant has been classified as Likely Pathogenic.

Literature cited by the submitters: PubMed 26157392 (cited by Labcorp Genetics (formerly Invitae), Labcorp).